The following is an entry in ClinVar:

ClinVar aggregate classification (germline): Uncertain significance (1 of 4 stars; one submission).

Submission:

Labcorp Genetics (formerly Invitae), Labcorp
Classification: Uncertain significance. Last evaluated: 2024-07-01. Review status: criteria provided, single submitter. Criteria: Invitae Variant Classification Sherloc (09022015). Collection method: clinical testing. Allele origin: germline.
Comment: This sequence change replaces leucine, which is neutral and non-polar, with proline, which is neutral and non-polar, at codon 275 of the TNFAIP3 protein (p.Leu275Pro). This variant is not present in population databases (gnomAD no frequency). This missense change has been observed in individual(s) with clinical features of hemophagocytic lymphohistiocytosis (PMID: 36064566). ClinVar contains an entry for this variant (Variation ID: 1390600). Advanced modeling of protein sequence and biophysical properties (such as structural, functional, and spatial information, amino acid conservation, physicochemical variation, residue mobility, and thermodynamic stability) performed at Invitae indicates that this missense variant is expected to disrupt TNFAIP3 protein function with a positive predictive value of 80%. Experimental studies have shown that this missense change affects TNFAIP3 function (PMID: 37342083). In summary, the available evidence is currently insufficient to determine the role of this variant in disease. Therefore, it has been classified as a Variant of Uncertain Significance.

Literature cited by the submitters: PubMed 36064566; PubMed 37342083.

NM_001270508.2(TNFAIP3):c.824T>C (p.Leu275Pro)

Gene: TNFAIP3 (TNF alpha induced protein 3; plus strand). Cytogenetic location: 6q23.3.
Variant type: single nucleotide variant.
Coding change: c.824T>C on transcript NM_001270508.2 (MANE Select); coding-DNA position 824, T replaced by C.
Protein change: p.Leu275Pro; replaces leucine 275 with proline.
Molecular consequence: missense variant.
Genome position (GRCh38, 1-based): chr6:137,877,094, T>C. VCF-style: chr6-137877094-T-C. GRCh37 (hg19) VCF-style: chr6-138198231-T-C.
Other names: c.824T>C, p.Leu275Pro (NM_001270507.2, NM_006290.4); short protein forms L275P.
Identifiers: ClinVar variation 1390600 (VCV001390600.6), dbSNP rs2114489742, ClinGen allele CA365786970.